The following is an entry in ClinVar:

NM_000550.3(TYRP1):c.1200T>A (p.Phe400Leu)

Genes: LURAP1L-AS1 (LURAP1L antisense RNA 1; minus strand), TYRP1 (tyrosinase related protein 1; plus strand). Cytogenetic location: 9p23.
Variant type: single nucleotide variant.
Coding change: c.1200T>A on transcript NM_000550.3 (MANE Select); coding-DNA position 1200, T replaced by A.
Protein change: p.Phe400Leu; replaces phenylalanine 400 with leucine.
Molecular consequence: missense variant.
Genome position (GRCh38, 1-based): chr9:12,704,644, T>A. VCF-style: chr9-12704644-T-A. GRCh37 (hg19) VCF-style: chr9-12704644-T-A.
Other names: short protein forms F400L.
Identifiers: ClinVar variation 1717407 (VCV001717407.5), dbSNP rs1818229100, ClinGen allele CA372942855.
Genomic context (GRCh38, chr9:12,704,644, plus strand): 5'-TCATCTATTCCTGAATGGAACAGGGGGACAAACCCATTTGTCTCCAAATGATCCTATTTT[T>A]GTCCTCCTGCACACCTTCACAGATGCAGTCTTTGATGAATGGCTGAGGAGATACAATGCT-3'
Protein context (NP_000541.1, residues 390-410): QTHLSPNDPI[Phe400Leu]VLLHTFTDAV

ClinVar aggregate classification (germline): Likely pathogenic (1 of 4 stars; one submission).

Allele frequency attached by ClinVar (database versions not stated): gnomAD exomes below 0.00001; TOPMed 0.00001.
gnomAD v4.1: 4 of 1,613,216 alleles (0.00025%); highest among the groups gnomAD compares: South Asian, 0.0033%; no homozygotes.

Submission:

Labcorp Genetics (formerly Invitae), Labcorp
Classification: Likely pathogenic. Last evaluated: 2024-01-19. Review status: criteria provided, single submitter. Criteria: Invitae Variant Classification Sherloc (09022015). Collection method: clinical testing. Allele origin: germline.
Comment: This sequence change replaces phenylalanine, which is neutral and non-polar, with leucine, which is neutral and non-polar, at codon 400 of the TYRP1 protein (p.Phe400Leu). This variant is not present in population databases (gnomAD no frequency). This missense change has been observed in individual(s) with clinical features of ocular albinism (Invitae). It has also been observed to segregate with disease in related individuals. ClinVar contains an entry for this variant (Variation ID: 1717407). Advanced modeling of protein sequence and biophysical properties (such as structural, functional, and spatial information, amino acid conservation, physicochemical variation, residue mobility, and thermodynamic stability) performed at Invitae indicates that this missense variant is expected to disrupt TYRP1 protein function with a positive predictive value of 80%. In summary, the currently available evidence indicates that the variant is pathogenic, but additional data are needed to prove that conclusively. Therefore, this variant has been classified as Likely Pathogenic.